The following is an entry in ClinVar:

NM_001204.7(BMPR2):c.305C>T (p.Thr102Ile)

Gene: BMPR2 (bone morphogenetic protein receptor type 2; plus strand). Cytogenetic location: 2q33.1.
Variant type: single nucleotide variant.
Coding change: c.305C>T on transcript NM_001204.7 (MANE Select); coding-DNA position 305, C replaced by T.
Protein change: p.Thr102Ile; replaces threonine 102 with isoleucine.
Molecular consequence: missense variant.
Genome position (GRCh38, 1-based): chr2:202,467,576, C>T. VCF-style: chr2-202467576-C-T. GRCh37 (hg19) VCF-style: chr2-203332299-C-T.
Other names: short protein forms T102I.
Identifiers: ClinVar variation 3824809 (VCV003824809.1).
Genomic context (GRCh38, chr2:202,467,576, plus strand): 5'-TAGGATGTTGGTCTCACATTGGAGATCCCCAAGAGTGTCACTATGAAGAATGTGTAGTAA[C>T]TACCACTCCTCCCTCAATTCAGAATGGAACATACCGTTTCTGCTGTTGTAGCACAGATTT-3'
Protein context (NP_001195.2, residues 92-112): QECHYEECVV[Thr102Ile]TTPPSIQNGT

ClinVar aggregate classification (germline): Uncertain significance (1 of 4 stars; one submission).

Conditions:
Inborn genetic diseases. Identifiers: MedGen C0950123, MeSH D030342.

Submission:

Ambry Genetics
Classification: Uncertain significance for Inborn genetic diseases. Last evaluated: 2025-01-05. Review status: criteria provided, single submitter. Criteria: Ambry Variant Classification Scheme 2023. Collection method: clinical testing. Allele origin: germline.
Comment: The p.T102I variant (also known as c.305C>T), located in coding exon 3 of the BMPR2 gene, results from a C to T substitution at nucleotide position 305. The threonine at codon 102 is replaced by isoleucine, an amino acid with similar properties. This amino acid position is conserved. In addition, the in silico prediction for this alteration is inconclusive. Based on the available evidence, the clinical significance of this variant remains unclear.